The following is an entry in ClinVar:

NM_000222.3(KIT):c.2664del (p.Met889fs)

Gene: KIT (KIT proto-oncogene, receptor tyrosine kinase; plus strand). Cytogenetic location: 4q12.
Variant type: Deletion.
Coding change: c.2664del on transcript NM_000222.3 (MANE Select); coding-DNA position 2664, one base deleted (G; older notation c.2664delG).
Protein change: p.Met889fs; shifts the reading frame from methionine 889.
Molecular consequence: frameshift variant.
Genome position (GRCh38, 1-based): chr4:54,736,788, G deleted; the last of 2 consecutive G bases (chr4:54,736,787-54,736,788); deleting either gives the same sequence. VCF-style (leftmost placement, unchanged base first): chr4-54736786-CG-C. GRCh37 (hg19) VCF-style: chr4-55602952-CG-C.
Other names: c.2652del, p.Met885fs (NM_001093772.2, NM_001385292.1); c.2667del, p.Met890fs (NM_001385284.1); c.2661del, p.Met888fs (NM_001385285.1); c.2649del, p.Met884fs (NM_001385286.1); c.2655del, p.Met886fs (NM_001385288.1); c.2664del, p.Met889fs (NM_001385290.1); short protein forms M884fs, M885fs, M886fs, M888fs, M889fs, M890fs.
Identifiers: ClinVar variation 4539832 (VCV004539832.1).

ClinVar aggregate classification (germline): Likely pathogenic (1 of 4 stars; one submission).

Conditions:
Piebaldism. Also called: Piebald skin depigmentation. Identifiers: Orphanet 2884, MedGen C0080024, MONDO:0008244, OMIM 172800, HP:0007544.

Submission:

Shanghai First Maternity and Infant Hospital, Tongji University
Classification: Likely pathogenic for Piebaldism. Last evaluated: 2025-07-01. Review status: criteria provided, single submitter. Criteria: ACMG Guidelines, 2015. Collection method: clinical testing. Allele origin: germline. Affected: yes.
Comment: The variant was classified as likely pathogenic based on its predicted impact on protein function (PVS1) and absence from population databases (PM2_Supporting).